The following is an entry in ClinVar:

ClinVar aggregate classification (germline): Uncertain significance (1 of 4 stars; one submission).

Allele frequency attached by ClinVar (database versions not stated): gnomAD exomes 0.00001; ExAC 0.00002; gnomAD 0.00002; TOPMed 0.00002.
gnomAD v4.1: 23 of 1,613,994 alleles (0.0014%); highest among the groups gnomAD compares: African/African-American, 0.0053%; no homozygotes.

Submission:

Labcorp Genetics (formerly Invitae), Labcorp
Classification: Uncertain significance. Last evaluated: 2021-12-08. Review status: criteria provided, single submitter. Criteria: Invitae Variant Classification Sherloc (09022015). Collection method: clinical testing. Allele origin: germline.
Comment: This sequence change replaces alanine, which is neutral and non-polar, with threonine, which is neutral and polar, at codon 196 of the LIPC protein (p.Ala196Thr). This variant is present in population databases (rs770215498, gnomAD 0.008%). This missense change has been observed in individual(s) with hepatic lipase deficiency (PMID: 12777476). This variant is also known as p.A174T. Algorithms developed to predict the effect of missense changes on protein structure and function (SIFT, PolyPhen-2, Align-GVGD) all suggest that this variant is likely to be disruptive. In summary, the available evidence is currently insufficient to determine the role of this variant in disease. Therefore, it has been classified as a Variant of Uncertain Significance.

Literature cited by the submitters: PubMed 12777476.

NM_000236.3(LIPC):c.586G>A (p.Ala196Thr)

Gene: LIPC (lipase C, hepatic type; plus strand). Cytogenetic location: 15q21.3.
Variant type: single nucleotide variant.
Coding change: c.586G>A on transcript NM_000236.3 (MANE Select); coding-DNA position 586, G replaced by A.
Protein change: p.Ala196Thr; replaces alanine 196 with threonine.
Molecular consequence: missense variant.
Genome position (GRCh38, 1-based): chr15:58,545,753, G>A. VCF-style: chr15-58545753-G-A. GRCh37 (hg19) VCF-style: chr15-58837952-G-A.
Other names: short protein forms A196T.
Identifiers: ClinVar variation 2137720 (VCV002137720.4), dbSNP rs770215498, ClinGen allele CA7584934.